The following is an entry in ClinVar:

NM_005006.7(NDUFS1):c.1776G>T (p.Lys592Asn)

Gene: NDUFS1 (NADH:ubiquinone oxidoreductase core subunit S1; minus strand). Cytogenetic location: 2q33.3.
Variant type: single nucleotide variant.
Coding change: c.1776G>T on transcript NM_005006.7 (MANE Select); coding-DNA position 1776, G replaced by T.
Protein change: p.Lys592Asn; replaces lysine 592 with asparagine.
Molecular consequence: missense variant.
Genome position (GRCh38, 1-based): chr2:206,127,905, C>A on the plus strand (G>T on the coding strand, the complement: NDUFS1 is on the minus strand). VCF-style: chr2-206127905-C-A. GRCh37 (hg19) VCF-style: chr2-206992629-C-A.
Other names: c.1668G>T, p.Lys556Asn (NM_001199981.2); c.1443G>T, p.Lys481Asn (NM_001199982.2); c.1605G>T, p.Lys535Asn (NM_001199983.2); c.1818G>T, p.Lys606Asn (NM_001199984.2); short protein forms K481N, K535N, K556N, K592N, K606N.
Identifiers: ClinVar variation 1705539 (VCV001705539.1), dbSNP rs2470000836, ClinGen allele CA350043490.
Genomic context (GRCh38, chr2:206,127,905, plus strand): 5'-AGGTGTCACTGCTACCTTAGTCTGCTGAGCTCTACCCTCAGTGTTGACATATGTAGCAGA[C>A]TTCTCTGTGTAAGCAGCTCCTGGGAGAATAACATCAGCTATGGGAGCCCCAACATCACCA-3'
Protein context (NP_004997.4, residues 582-602): VILPGAAYTE[Lys592Asn]SATYVNTEGR

ClinVar aggregate classification (germline): Uncertain significance (1 of 4 stars; one submission).

Conditions:
Mitochondrial complex I deficiency, nuclear type 5. Also called: Mitochondrial complex 1 deficiency, nuclear type 5. Identifiers: MedGen C4748754, MONDO:0032610, OMIM 618226.

Submission:

3billion
Classification: Uncertain significance for Mitochondrial complex I deficiency, nuclear type 5. Last evaluated: 2022-09-01. Review status: criteria provided, single submitter. Criteria: ACMG Guidelines, 2015. Collection method: clinical testing. Allele origin: germline. Affected: yes. Observed: 1 homozygote.
Comment: The variant is not observed in the gnomAD v2.1.1 dataset. Missense changes are a common disease-causing mechanism. In silico tool predictions suggest damaging effect of the variant on gene or gene product (REVEL: 0.79; 3Cnet: 0.87). Therefore, this variant is classified as uncertain significance according to the recommendation of ACMG/AMP guideline.